The following is an entry in ClinVar:

NM_004006.3(DMD):c.5749C>G (p.Arg1917Gly)

Gene: DMD (dystrophin; minus strand). Cytogenetic location: Xp21.1.
Variant type: single nucleotide variant.
Coding change: c.5749C>G on transcript NM_004006.3 (MANE Select); coding-DNA position 5749, C replaced by G.
Protein change: p.Arg1917Gly; replaces arginine 1917 with glycine.
Molecular consequence: missense variant.
Genome position (GRCh38, 1-based): chrX:32,342,273, G>C on the plus strand (C>G on the coding strand, the complement: DMD is on the minus strand). VCF-style: chrX-32342273-G-C. GRCh37 (hg19) VCF-style: chrX-32360390-G-C.
Other names: c.5725C>G, p.Arg1909Gly (NM_000109.4); c.5737C>G, p.Arg1913Gly (NM_004009.3); c.5380C>G, p.Arg1794Gly (NM_004010.3); c.1726C>G, p.Arg576Gly (NM_004011.4); c.1717C>G, p.Arg573Gly (NM_004012.4); short protein forms R1917G, R573G, R576G, R1794G, R1909G, R1913G.
Identifiers: ClinVar variation 2100808 (VCV002100808.4), dbSNP rs763893272, ClinGen allele CA412665344.
Genomic context (GRCh38, chrX:32,342,273, plus strand): 5'-ACAAGCCCTCAGCTTGCCTACGCACTGCATTCAGCTCCTCTTTCTTCTTCTGCAATTCCC[G>C]ATCAATTTCCTATTGAGCAAAACCAATACAGGGCCCAGGGCAGTTAGCTAACCACATCAA-3'
Protein context (NP_003997.2, residues 1907-1927): RDERKIKEID[Arg1917Gly]ELQKKKEELN

ClinVar aggregate classification (germline): Uncertain significance (1 of 4 stars; one submission).

Conditions:
Duchenne muscular dystrophy (DMD). Also called: MUSCULAR DYSTROPHY, PSEUDOHYPERTROPHIC PROGRESSIVE, DUCHENNE TYPE; Duchenne Muscular Dystrophy (DMD). Identifiers: Orphanet 98896, MedGen C0013264, MONDO:0010679, OMIM 310200.

Submission:

Labcorp Genetics (formerly Invitae), Labcorp
Classification: Uncertain significance for Duchenne muscular dystrophy. Last evaluated: 2022-02-21. Review status: criteria provided, single submitter. Criteria: Invitae Variant Classification Sherloc (09022015). Collection method: clinical testing. Allele origin: germline.
Comment: In summary, the available evidence is currently insufficient to determine the role of this variant in disease. Therefore, it has been classified as a Variant of Uncertain Significance. Algorithms developed to predict the effect of missense changes on protein structure and function (SIFT, PolyPhen-2, Align-GVGD) all suggest that this variant is likely to be tolerated. This variant has not been reported in the literature in individuals affected with DMD-related conditions. This variant is not present in population databases (gnomAD no frequency). This sequence change replaces arginine, which is basic and polar, with glycine, which is neutral and non-polar, at codon 1917 of the DMD protein (p.Arg1917Gly).